The following is an entry in ClinVar:

NM_001278512.2(AP3B2):c.805_806delinsGC (p.Phe269Ala)

Genes: AP3B2 (adaptor related protein complex 3 subunit beta 2; minus strand), CPEB1-AS1 (CPEB1 antisense RNA 1; plus strand). Cytogenetic location: 15q25.2.
Variant type: Indel.
Coding change: c.805_806delinsGC on transcript NM_001278512.2 (MANE Select); coding-DNA positions 805 to 806, TT replaced by GC.
Protein change: p.Phe269Ala; replaces phenylalanine 269 with alanine.
Molecular consequence: missense variant.
Genome position (GRCh38, 1-based): chr15:82,680,721-82,680,722, AA replaced by GC on the plus strand (TT replaced by GC on the coding strand, the reverse complement: AP3B2 is on the minus strand). VCF-style: chr15-82680721-AA-GC. GRCh37 (hg19) VCF-style: chr15-83349473-AA-GC.
Other names: c.709_710delinsGC, p.Phe237Ala (NM_001278511.2); c.805_806delinsGC, p.Phe269Ala (NM_004644.5); short protein forms F237A, F269A.
Identifiers: ClinVar variation 1944247 (VCV001944247.2), dbSNP rs2548711573, ClinGen allele CA2580090093.

ClinVar aggregate classification (germline): Uncertain significance (1 of 4 stars; one submission).

Submission:

Labcorp Genetics (formerly Invitae), Labcorp
Classification: Uncertain significance. Last evaluated: 2022-05-06. Review status: criteria provided, single submitter. Criteria: Invitae Variant Classification Sherloc (09022015). Collection method: clinical testing. Allele origin: germline.
Comment: This sequence change replaces phenylalanine, which is neutral and non-polar, with alanine, which is neutral and non-polar, at codon 269 of the AP3B2 protein (p.Phe269Ala). This variant is present in population databases (no rsID available, gnomAD 0.1%). This variant has not been reported in the literature in individuals affected with AP3B2-related conditions. Algorithms developed to predict the effect of missense changes on protein structure and function are either unavailable or do not agree on the potential impact of this missense change (SIFT: "Not Available"; PolyPhen-2: "Possibly Damaging"; Align-GVGD: "Not Available"). In summary, the available evidence is currently insufficient to determine the role of this variant in disease. Therefore, it has been classified as a Variant of Uncertain Significance.